The following is an entry in ClinVar:

ClinVar aggregate classification (germline): Pathogenic/Likely pathogenic. Review status: criteria provided, multiple submitters, no conflicts (2 of 4 stars). 12 submissions from 12 submitters: Pathogenic (8); Likely pathogenic (3). 1 of the submissions does not count toward it. Last evaluated 2026-07-16.

Conditions:
Long QT syndrome (LQTS). Identifiers: MedGen C0023976, MeSH D008133, MONDO:0002442. Disease mechanism: loss of function. Inheritance: Various modes of inheritance.
Cardiovascular phenotype. Identifiers: MedGen CN230736.
Cardiac arrhythmia. Also called: Cardiac rhythm disease; Arrhythmia. Identifiers: MedGen C0003811, MONDO:0007263, HP:0011675.
CACNA1C-related disorder. Also called: CACNA1C-related disorders; CACNA1C-related condition. Identifiers: MONDO:0700321, MedGen CN381092.
Hypertrophic cardiomyopathy 1 (CMH1). Also called: MYH7-Related Familial Hypertrophic Cardiomyopathy; Familial hypertrophic cardiomyopathy 1. Identifiers: MedGen C3495498, MONDO:0008647, OMIM 192600.
Long QT syndrome 8. Identifiers: MedGen CN260585, MONDO:0032756, OMIM 618447.
Timothy syndrome (TS). Also called: LONG QT SYNDROME WITH SYNDACTYLY. Identifiers: Orphanet 65283, MedGen C1832916, MeSH C536962, MONDO:0010979, OMIM 601005.

Allele frequency attached by ClinVar (database versions not stated): gnomAD 0.00001; gnomAD exomes below 0.00001; TOPMed 0.00001.

Submissions (12):

PreventionGenetics, part of Exact Sciences
Classification: Pathogenic for CACNA1C-related condition. Last evaluated: 2026-07-16. Review status: criteria provided, single submitter. Criteria: ACMG Guidelines, 2015. Collection method: clinical testing. Allele origin: germline.
Comment: The CACNA1C c.1553G>A variant is predicted to result in the amino acid substitution p.Arg518His. This variant has been reported in multiple individuals with long QT syndrome or complex phenotypes with long QT syndrome and hypertrophic cardiomyopathy (Boczek et al. 2015. PubMed ID: 26253506; Bagnall et al. 2018. PubMed ID: 30025578; Mellor et al. 2019. PubMed ID: 31408100; Fukuyama et al. 2020. PubMed ID: 32161207; Einhorn et al. 2023. PubMed ID: 37614386). Functional studies suggested that this variant could impact normal protein function (Boczek et al. 2015. PubMed ID: 26253506). This variant is reported in 0.34% of alleles in individuals of Ashkenazi Jewish descent in gnomAD and is interpreted as pathogenic or likely pathogenic in ClinVar (Variation ID: 372313). A different nucleotide substitution affecting the same amino acid (p.Arg518Cys) has been reported in individuals with long QT syndrome and hypertrophic cardiomyopathy (Boczek et al. 2015. PubMed ID: 26253506). Taken together, the c.1553G>A (p.Arg518His) variant is interpreted as pathogenic.

Labcorp Genetics (formerly Invitae), Labcorp
Classification: Pathogenic for Long QT syndrome. Last evaluated: 2025-12-28. Review status: criteria provided, single submitter. Criteria: Invitae Variant Classification Sherloc (09022015). Collection method: clinical testing. Allele origin: germline.
Comment: This sequence change replaces arginine, which is basic and polar, with histidine, which is basic and polar, at codon 518 of the CACNA1C protein (p.Arg518His). This variant is present in population databases (no rsID available, gnomAD 0.3%). This missense change has been observed in individuals with long QT syndrome or a complex phenotype of long QT syndrome and hypertrophic cardiomyopathy (PMID: 26253506, 30025578, 31408100, 32161207). ClinVar contains an entry for this variant (Variation ID: 372313). Invitae Evidence Modeling of protein sequence and biophysical properties (such as structural, functional, and spatial information, amino acid conservation, physicochemical variation, residue mobility, and thermodynamic stability) indicates that this missense variant is expected to disrupt CACNA1C protein function with a positive predictive value of 80%. Experimental studies have shown that this missense change affects CACNA1C function (PMID: 26253506). This variant disrupts the p.Arg518 amino acid residue in CACNA1C. Other variant(s) that disrupt this residue have been determined to be pathogenic (PMID: 26253506; internal data). This suggests that this residue is clinically significant, and that variants that disrupt this residue are likely to be disease-causing. For these reasons, this variant has been classified as Pathogenic.

Genomic Medicine Center of Excellence, King Faisal Specialist Hospital and Research Centre
Classification: Pathogenic for Timothy syndrome. Last evaluated: 2025-09-10. Review status: criteria provided, single submitter. Criteria: ACMG Guidelines, 2015. Collection method: clinical testing. Allele origin: germline.

GeneDx
Classification: Pathogenic. Last evaluated: 2025-06-17. Review status: criteria provided, single submitter. Criteria: GeneDx Variant Classification Process June 2021. Collection method: clinical testing. Allele origin: germline. Affected: yes.
Comment: Published functional studies demonstrate reduction in current density combined with increased window current and loss of inactivation (PMID: 26253506); Not observed at significant frequency in large population cohorts (gnomAD); In silico analysis supports that this missense variant has a deleterious effect on protein structure/function; This variant is associated with the following publications: (PMID: 27390944, 30984024, 30025578, 30027834, 35862440, 32161207, 30681346, 34079780, 35352813, 31110529, 31408100, 36252119, 34999275, 36578016, 37614386, 26253506, 31430211)

Ambry Genetics
Classification: Pathogenic for Cardiovascular phenotype. Last evaluated: 2024-12-20. Review status: criteria provided, single submitter. Criteria: Ambry Variant Classification Scheme 2023. Collection method: clinical testing. Allele origin: germline.
Comment: The p.R518H pathogenic mutation (also known as c.1553G>A), located in coding exon 12 of the CACNA1C gene, results from a G to A substitution at nucleotide position 1553. The arginine at codon 518 is replaced by histidine, an amino acid with highly similar properties. This variant was identified in one or more individuals with mixed cardiac phenotypes, including long QT syndrome, hypertrophic cardiomyopathy, cardiac conduction defects, and congenital heart disease, and segregated with disease in at least one family (Boczek NJ et al. Circ Arrhythm Electrophysiol, 2015 Oct;8:1122-32; Bagnall RD et al. J. Am. Coll. Cardiol., 2018 Jul;72:419-429; Bonaventura J et al. Arch Med Sci, 2019 May;15:641-649; Mellor GJ et al. Europace, 2019 Aug; Fukuyama M et al. Circ J, 2020 03;84:559-568; external communication). In an assay testing CACNA1C function, this variant showed a functionally abnormal result (Boczek NJ et al. Circ Arrhythm Electrophysiol, 2015 Oct;8:1122-32). Based on the supporting evidence, this alteration is interpreted as a disease-causing mutation for CACNA1C-related long QT syndrome/Timothy syndrome; however, its clinical significance for CACNA1C-related neurodevelopmental disorder is uncertain.

Blueprint Genetics
Classification: Pathogenic for CACNA1C-related disorders. Last evaluated: 2024-10-15. Review status: criteria provided, single submitter. Criteria: ACMG Guidelines, 2015. Collection method: clinical testing. Allele origin: germline. Affected: yes. Observed: 3 variant alleles.

Department of Human Genetics, Hannover Medical School
Classification: Likely pathogenic for Long QT syndrome 8. Last evaluated: 2024-07-29. Review status: criteria provided, single submitter. Criteria: ACMG Guidelines, 2015. Collection method: clinical testing. Allele origin: germline. Affected: yes.

Clinical Genetics Laboratory, Region Ostergotland
Classification: Likely pathogenic for Long QT syndrome 8. Last evaluated: 2024-01-11. Review status: criteria provided, single submitter. Criteria: ACMG Guidelines, 2015. Collection method: clinical testing. Allele origin: germline. Affected: yes.
Comment: PS3, PM5, PM2, PP3

Clinical Genetics Laboratory, Skane University Hospital Lund
Classification: Pathogenic. Last evaluated: 2023-07-26. Review status: criteria provided, single submitter. Criteria: ACMG Guidelines, 2015. Collection method: clinical testing. Allele origin: germline. Affected: yes.

Women's Health and Genetics/Laboratory Corporation of America, LabCorp
Classification: Pathogenic for Cardiac arrhythmia. Last evaluated: 2022-04-05. Review status: criteria provided, single submitter. Criteria: LabCorp Variant Classification Summary - May 2015. Collection method: clinical testing. Allele origin: germline.
Comment: Variant summary: CACNA1C c.1553G>A (p.Arg518His) results in a non-conservative amino acid change in the encoded protein sequence. Three of five in-silico tools predict a damaging effect of the variant on protein function. The variant was absent in 219196 control chromosomes. c.1553G>A has been reported in the literature in individuals affected with Arrhythmia. These data indicate that the variant is likely to be associated with disease. At least one publication reports experimental evidence evaluating an impact on protein function and showed that this variant disrupts the normal function. Four clinical diagnostic laboratories have submitted clinical-significance assessments for this variant to ClinVar after 2014 without evidence for independent evaluation. All laboratories classified the variant as pathogenic/likely pathogenic. Based on the evidence outlined above, the variant was classified as pathogenic.

Agnes Ginges Centre for Molecular Cardiology, Centenary Institute
Classification: Likely pathogenic for Hypertrophic cardiomyopathy 1. Last evaluated: 2017-04-19. Review status: criteria provided, single submitter. Criteria: Agnes Ginges Centre for Molecular Cardiology criteria (2015). Collection method: research. Allele origin: germline. Inheritance: Autosomal dominant inheritance. Affected: yes.
Comment: The CACNA1C Arg518His variant had been identified in a few probands with mixed phenotypes of Long QT, congenital heart defects and HCM (Boczek NJ, et al., 2015; Genedx, personal communication) and has been found to segregate in 2 families with varying phenotypes (Boczek NJ, et al., 2015). In vitro functional analysis using whole cell patch clamping confirmed the loss of current density and inactivation in combination with increased window and later voltage gated calcium channel current (Boczek NJ, et al., 2015), however this study may not necessarily reflect biological function and future studies will be useful to validate these findings. The variant is present a singleton event in the Exome Aggregation Consortium dataset (MAF= 0.00003230). Computational tools SIFT, PolyPhen-2 and MutationTaster predict this variant to have deleterious effect. In summary, based on a few proband's reported with similar phenotypes, strong segregation data, rarity in general population databases, as well supportive in silico tools in combination with a functional study suggestive of an affect on protein function, we classify the CACNA1C Arg518His as "likely pathogenic".

OMIM
Classification: Pathogenic for TIMOTHY SYNDROME. Last evaluated: 2022-09-29. Review status: no assertion criteria provided. Collection method: literature only. Allele origin: germline. Not counted in ClinVar's aggregate classification.

Literature cited by the submitters: PubMed 26253506 (cited by 5 submitters); PubMed 30025578 (cited by Labcorp Genetics (formerly Invitae), Labcorp and Ambry Genetics); PubMed 31408100 (cited by Labcorp Genetics (formerly Invitae), Labcorp and Ambry Genetics); PubMed 32161207 (cited by 3 submitters); PubMed 31110529 (cited by Ambry Genetics); PubMed 31430211 (cited by Ambry Genetics); PubMed 30172029 (cited by Women's Health and Genetics/Laboratory Corporation of America, LabCorp).

NM_000719.7(CACNA1C):c.1553G>A (p.Arg518His)

Gene: CACNA1C (calcium voltage-gated channel subunit alpha1 C; plus strand). Cytogenetic location: 12p13.33.
Variant type: single nucleotide variant.
Coding change: c.1553G>A on transcript NM_000719.7 (MANE Select); coding-DNA position 1553, G replaced by A.
Protein change: p.Arg518His; replaces arginine 518 with histidine.
Molecular consequence: missense variant.
Genome position (GRCh38, 1-based): chr12:2,566,466, G>A. VCF-style: chr12-2566466-G-A. GRCh37 (hg19) VCF-style: chr12-2675632-G-A.
Other names: c.1553G>A, p.Arg518His (NM_001129827.2, NM_001129829.2, NM_001129830.3 and 18 more transcripts); c.1553G>A (NM_001129835.1); c.1544G>A, p.Arg515His (NM_001129844.2); short protein forms R518H, R515H.
Identifiers: ClinVar variation 372313 (VCV000372313.26), dbSNP rs1057517711, ClinGen allele CA16042880.